The following is an entry in ClinVar:

NC_000023.10:g.(?_41437573)_(41712500_?)dup

Genes: GPR34 (G protein-coupled receptor 34; plus strand), GPR82 (G protein-coupled receptor 82; plus strand), CASK (calcium/calmodulin dependent serine protein kinase; minus strand). Cytogenetic location: Xp11.4.
Variant type: Duplication.
Identifiers: ClinVar variation 3245351 (VCV003245351.1).

ClinVar aggregate classification (germline): Likely pathogenic (1 of 4 stars; one submission).

Conditions:
Intellectual disability, CASK-related, X-linked. Identifiers: MedGen CN043158.

Submission:

Labcorp Genetics (formerly Invitae), Labcorp
Classification: Likely pathogenic for Intellectual disability, CASK-related, X-linked. Last evaluated: 2023-09-08. Review status: criteria provided, single submitter. Criteria: Invitae Variant Classification Sherloc (09022015). Collection method: clinical testing. Allele origin: unknown.
Comment: This variant results in a copy number gain of the genomic region encompassing exon(s) 2-15 of the CASK gene. While the exact position of this variant cannot be determined from the data, sub-genic copy number gains are generally in tandem (PMID: 25640679). This variant is predicted to be out-of-frame, and may result in an absent or disrupted protein product. Loss-of-function variants in CASK are known to be pathogenic (PMID: 19165920, 20029458, 21954287, 22452838, 22709267). This variant has not been reported in the literature in individuals affected with CASK-related conditions. In summary, the currently available evidence indicates that the variant is pathogenic, but additional data are needed to prove that conclusively. Therefore, this variant has been classified as Likely Pathogenic.

Literature cited by the submitters: PubMed 25640679; PubMed 19165920; PubMed 20029458; PubMed 21954287; PubMed 22452838; PubMed 22709267.